The following is an entry in ClinVar:

NM_001004137.1(OR52M1):c.395T>C (p.Leu132Pro)

Gene: OR52M1 (olfactory receptor family 52 subfamily M member 1; plus strand). Cytogenetic location: 11p15.4.
Variant type: single nucleotide variant.
Coding change: c.395T>C on transcript NM_001004137.1 (MANE Select); coding-DNA position 395, T replaced by C.
Protein change: p.Leu132Pro; replaces leucine 132 with proline.
Molecular consequence: missense variant.
Genome position (GRCh38, 1-based): chr11:4,545,585, T>C. VCF-style: chr11-4545585-T-C. GRCh37 (hg19) VCF-style: chr11-4566815-T-C.
Other names: short protein forms L132P.
Identifiers: ClinVar variation 2632717 (VCV002632717.2), dbSNP rs2494008541, ClinGen allele CA379218292.

ClinVar aggregate classification (germline): Uncertain significance (1 of 4 stars; one submission).

Conditions:
OR52M1-related disorder. Also called: OR52M1-related condition.

Submission:

PreventionGenetics, part of Exact Sciences
Classification: Uncertain significance for OR52M1-related condition. Last evaluated: 2026-03-17. Review status: criteria provided, single submitter. Criteria: ACMG Guidelines, 2015. Collection method: clinical testing. Allele origin: germline.
Comment: The OR52M1 c.395T>C variant is predicted to result in the amino acid substitution p.Leu132Pro. To our knowledge, this variant has not been reported in the literature or in gnomAD, indicating this variant is rare. At this time, the clinical significance of this variant is uncertain due to the absence of conclusive functional and genetic evidence.